The following is an entry in ClinVar:

ClinVar aggregate classification (germline): Likely pathogenic (1 of 4 stars; one submission).

Conditions:
Early-infantile DEE. Also called: Ohtahara syndrome; Early infantile epileptic encephalopathy with suppression bursts; Early infantile epileptic encephalopathy. Identifiers: Orphanet 1934, MedGen C0393706, MONDO:0800491.

Submission:

Labcorp Genetics (formerly Invitae), Labcorp
Classification: Likely pathogenic for Early-infantile DEE. Last evaluated: 2020-08-30. Review status: criteria provided, single submitter. Criteria: Invitae Variant Classification Sherloc (09022015). Collection method: clinical testing. Allele origin: germline.
Comment: This variant disrupts the p.Arg931 amino acid residue in SCN1A. Other variant(s) that disrupt this residue have been determined to be pathogenic (PMID: 12083760, 18076640, 22780858, 27231140, 28079314, 25243660 , Invitae). This suggests that this residue is clinically significant, and that variants that disrupt this residue are likely to be disease-causing. In summary, the currently available evidence indicates that the variant is pathogenic, but additional data are needed to prove that conclusively. Therefore, this variant has been classified as Likely Pathogenic. Algorithms developed to predict the effect of sequence changes on RNA splicing suggest that this variant may create or strengthen a splice site, but this prediction has not been confirmed by published transcriptional studies. Advanced modeling of protein sequence and biophysical properties (such as structural, functional, and spatial information, amino acid conservation, physicochemical variation, residue mobility, and thermodynamic stability) performed at Invitae indicates that this missense variant is expected to disrupt SCN1A protein function. This variant has not been reported in the literature in individuals with SCN1A-related conditions. This variant is not present in population databases (ExAC no frequency). This sequence change replaces arginine with glycine at codon 931 of the SCN1A protein (p.Arg931Gly). The arginine residue is highly conserved and there is a moderate physicochemical difference between arginine and glycine.

Literature cited by the submitters: PubMed 12083760; PubMed 18076640; PubMed 22780858; PubMed 27231140; PubMed 28079314; PubMed 25243660.

NM_001165963.4(SCN1A):c.2791C>G (p.Arg931Gly)

Gene: SCN1A (sodium voltage-gated channel alpha subunit 1; minus strand). Cytogenetic location: 2q24.3.
Variant type: single nucleotide variant.
Coding change: c.2791C>G on transcript NM_001165963.4 (MANE Select); coding-DNA position 2791, C replaced by G.
Protein change: p.Arg931Gly; replaces arginine 931 with glycine.
Molecular consequence: missense variant. On other transcripts: non-coding transcript variant (1).
Genome position (GRCh38, 1-based): chr2:166,037,931, G>C on the plus strand (C>G on the coding strand, the complement: SCN1A is on the minus strand). VCF-style: chr2-166037931-G-C. GRCh37 (hg19) VCF-style: chr2-166894441-G-C.
Other names: c.2707C>G, p.Arg903Gly (NM_001165964.3, NM_001353957.2, NM_001353958.2); c.2791C>G, p.Arg931Gly (NM_001202435.3, NM_001353948.2); c.2758C>G, p.Arg920Gly (NM_001353949.2, NM_001353950.2, NM_001353951.2 and 2 more transcripts); c.2755C>G, p.Arg919Gly (NM_001353954.2, NM_001353955.2); c.2704C>G, p.Arg902Gly (NM_001353960.2); c.349C>G, p.Arg117Gly (NM_001353961.2); short protein forms R117G, R902G, R903G, R919G, R920G, R931G.
Identifiers: ClinVar variation 1066442 (VCV001066442.10), dbSNP rs121918788, ClinGen allele CA349061366.